The following is an entry in ClinVar:

NM_000424.4(KRT5):c.557T>G (p.Val186Gly)

Genes: KRT5 (keratin 5; minus strand), LOC126861526 (BRD4-independent group 4 enhancer GRCh37_chr12:52912066-52913265; plus strand). Cytogenetic location: 12q13.13.
Variant type: single nucleotide variant.
Coding change: c.557T>G on transcript NM_000424.4 (MANE Select); coding-DNA position 557, T replaced by G.
Protein change: p.Val186Gly; replaces valine 186 with glycine.
Molecular consequence: missense variant.
Genome position (GRCh38, 1-based): chr12:52,519,159, A>C on the plus strand (T>G on the coding strand, the complement: KRT5 is on the minus strand). VCF-style: chr12-52519159-A-C. GRCh37 (hg19) VCF-style: chr12-52912943-A-C.
Other names: short protein forms V186G.
Identifiers: ClinVar variation 1520153 (VCV001520153.6), dbSNP rs267607457, ClinGen allele CA384928624.
Genomic context (GRCh38, chr12:52,519,159, plus strand): 5'-TGCTCCTGCAGCAGGGTCCACTTGGTGTCCAGAACCTTGTTCTGCTGCTCCAGGAACCGC[A>C]CCTGGAGGGGAGCAGGGTTTGAAGATAGAGAAACTTGGATTTCATGTTCTATGATCAACT-3'
Protein context (NP_000415.2, residues 176-196): NNKFASFIDK[Val186Gly]RFLEQQNKVL

ClinVar aggregate classification (germline): Uncertain significance (1 of 4 stars; one submission).

Submission:

Labcorp Genetics (formerly Invitae), Labcorp
Classification: Uncertain significance. Last evaluated: 2021-09-18. Review status: criteria provided, single submitter. Criteria: Invitae Variant Classification Sherloc (09022015). Collection method: clinical testing. Allele origin: germline.
Comment: This variant disrupts the p.Val186 amino acid residue in KRT5. Other variant(s) that disrupt this residue have been determined to be pathogenic (PMID: 11407988, 16882168). This suggests that this residue is clinically significant, and that variants that disrupt this residue are likely to be disease-causing. Algorithms developed to predict the effect of missense changes on protein structure and function (SIFT, PolyPhen-2, Align-GVGD) all suggest that this variant is likely to be disruptive. This missense change has been observed in individual(s) with clinical features of autosomal dominant epidermolysis bullosa simplex (Invitae). This variant is not present in population databases (ExAC no frequency). This sequence change replaces valine with glycine at codon 186 of the KRT5 protein (p.Val186Gly). The valine residue is highly conserved and there is a moderate physicochemical difference between valine and glycine. In summary, the available evidence is currently insufficient to determine the role of this variant in disease. Therefore, it has been classified as a Variant of Uncertain Significance.

Literature cited by the submitters: PubMed 11407988; PubMed 16882168.